The following is an entry in ClinVar:

NM_004523.4(KIF11):c.574-3C>T

Gene: KIF11 (kinesin family member 11; plus strand). Cytogenetic location: 10q23.33.
Variant type: single nucleotide variant.
Coding change: c.574-3C>T on transcript NM_004523.4 (MANE Select); 3 bases into the intron before coding-DNA position 574, C replaced by T.
Molecular consequence: intron variant.
Genome position (GRCh38, 1-based): chr10:92,609,382, C>T. VCF-style: chr10-92609382-C-T. GRCh37 (hg19) VCF-style: chr10-94369139-C-T.
Identifiers: ClinVar variation 4721174 (VCV004721174.1).

ClinVar aggregate classification (germline): Uncertain significance (1 of 4 stars; one submission).

Submission:

Labcorp Genetics (formerly Invitae), Labcorp
Classification: Uncertain significance. Last evaluated: 2025-06-10. Review status: criteria provided, single submitter. Criteria: Invitae Variant Classification Sherloc (09022015). Collection method: clinical testing. Allele origin: germline.
Comment: This sequence change falls in intron 5 of the KIF11 gene. It does not directly change the encoded amino acid sequence of the KIF11 protein. It affects a nucleotide within the consensus splice site. This variant is not present in population databases (gnomAD no frequency). This variant has not been reported in the literature in individuals affected with KIF11-related conditions. Variants that disrupt the consensus splice site are a relatively common cause of aberrant splicing (PMID: 17576681, 9536098). Algorithms developed to predict the effect of sequence changes on RNA splicing suggest that this variant is not likely to affect RNA splicing. In summary, the available evidence is currently insufficient to determine the role of this variant in disease. Therefore, it has been classified as a Variant of Uncertain Significance.

Literature cited by the submitters: PubMed 17576681; PubMed 9536098.